The following is an entry in ClinVar:

NM_144973.4(DENND5B):c.2752dup (p.Ser918fs)

Gene: DENND5B (DENN domain containing 5B; minus strand). Cytogenetic location: 12p11.21.
Variant type: Duplication.
Coding change: c.2752dup on transcript NM_144973.4 (MANE Select); coding-DNA position 2752, one base duplicated (T; older notation c.2752dupT).
Protein change: p.Ser918fs; shifts the reading frame from serine 918.
Molecular consequence: frameshift variant.
Genome position (GRCh38, 1-based): chr12:31,409,314, A duplicated on the plus strand (T on the coding strand, the reverse complement: DENND5B is on the minus strand); the first of 3 consecutive A bases (chr12:31,409,314-31,409,316); duplicating any one gives the same sequence. VCF-style (leftmost placement, unchanged base first): chr12-31409313-G-GA. GRCh37 (hg19) VCF-style: chr12-31562247-G-GA.
Other names: c.2857dup, p.Ser953fs (NM_001308339.2); short protein forms S918fs, S953fs.
Identifiers: ClinVar variation 3767747 (VCV003767747.2).

ClinVar aggregate classification (germline): Uncertain significance (1 of 4 stars; one submission).

Submission:

GeneDx
Classification: Uncertain significance. Last evaluated: 2025-09-26. Review status: criteria provided, single submitter. Criteria: GeneDx Variant Classification Process June 2021. Collection method: clinical testing. Allele origin: germline.
Comment: Not observed at significant frequency in large population cohorts (gnomAD); Frameshift variant predicted to result in protein truncation or nonsense mediated decay in a gene or region of a gene for which loss of function is not a well-established mechanism of disease; Has not been previously published as pathogenic or benign to our knowledge